The following is an entry in ClinVar:

NM_000483.5(APOC2):c.230A>G (p.Lys77Arg)

Genes: APOC2 (apolipoprotein C2; plus strand), APOC4-APOC2 (APOC4-APOC2 readthrough (NMD candidate); plus strand). Cytogenetic location: 19q13.32.
Variant type: single nucleotide variant.
Coding change: c.230A>G on transcript NM_000483.5 (MANE Select); coding-DNA position 230, A replaced by G.
Protein change: p.Lys77Arg; replaces lysine 77 with arginine.
Molecular consequence: missense variant. On other transcripts: non-coding transcript variant (1).
Genome position (GRCh38, 1-based): chr19:44,949,173, A>G. VCF-style: chr19-44949173-A-G. GRCh37 (hg19) VCF-style: chr19-45452430-A-G.
Other names: short protein forms K77R.
Identifiers: ClinVar variation 3308437 (VCV003308437.1).

ClinVar aggregate classification (germline): Uncertain significance (1 of 4 stars; one submission).

Conditions:
Cardiovascular phenotype. Identifiers: MedGen CN230736.

gnomAD v4.1: 1 of 1,613,978 alleles (0.000062%); highest among the groups gnomAD compares: Non-Finnish European, 0.000085%; no homozygotes.

Submission:

Ambry Genetics
Classification: Uncertain significance for Cardiovascular phenotype. Last evaluated: 2024-06-07. Review status: criteria provided, single submitter. Criteria: Ambry Variant Classification Scheme 2023. Collection method: clinical testing. Allele origin: germline.
Comment: The p.K77R variant (also known as c.230A>G), located in coding exon 3 of the APOC2 gene, results from an A to G substitution at nucleotide position 230. The lysine at codon 77 is replaced by arginine, an amino acid with highly similar properties. This amino acid position is conserved. In addition, this alteration is predicted to be tolerated by in silico analysis. Based on the available evidence, the clinical significance of this variant remains unclear.